The following is an entry in ClinVar:

NM_006343.3(MERTK):c.986A>G (p.Asn329Ser)

Genes: MERTK (MER proto-oncogene, tyrosine kinase; plus strand), LOC112806037 (Sharpr-MPRA regulatory region 3720; plus strand). Cytogenetic location: 2q13.
Variant type: single nucleotide variant.
Coding change: c.986A>G on transcript NM_006343.3 (MANE Select); coding-DNA position 986, A replaced by G.
Protein change: p.Asn329Ser; replaces asparagine 329 with serine.
Molecular consequence: missense variant.
Genome position (GRCh38, 1-based): chr2:111,975,314, A>G. VCF-style: chr2-111975314-A-G. GRCh37 (hg19) VCF-style: chr2-112732891-A-G.
Other names: short protein forms N329S.
Identifiers: ClinVar variation 782804 (VCV000782804.29), dbSNP rs34943572, ClinGen allele CA1831255.
Genomic context (GRCh38, chr2:111,975,314, plus strand): 5'-CTAATGCCCGGTCCTCATGTTTACTCTTCGTTTAGGTCAAGGAAGCTGATCCGCTGAGTA[A>G]TGGCTCAGTCATGATTTTTAACACCTCTGCCTTACCACATCTGTACCAAATCAAGCAGCT-3'
Protein context (NP_006334.2, residues 319-339): IQVKEADPLS[Asn329Ser]GSVMIFNTSA

ClinVar aggregate classification (germline): Conflicting classifications of pathogenicity. Review status: criteria provided, conflicting classifications (1 of 4 stars). 8 submissions from 8 submitters: Uncertain significance (4); Likely benign (4). Last evaluated 2026-04-09.

Conditions:
Retinitis pigmentosa 38 (RP38). Also called: ROD-CONE DYSTROPHY, CHILDHOOD-ONSET. Identifiers: Orphanet 791, MedGen C3151228, MONDO:0013469, OMIM 613862.
Retinal dystrophy. Also called: Inherited retinal dystrophy. Identifiers: Orphanet 71862, MedGen C0854723, MeSH D058499, MONDO:0019118, HP:0000556.
MERTK-related disorder. Also called: MERTK-related condition.
Retinitis pigmentosa (RP). Identifiers: Orphanet 791, MedGen C0035334, MeSH D012174, MONDO:0019200, OMIM 268000. Inheritance: Autosomal dominant, autosomal recessive and X linked inheritance.

Allele frequency attached by ClinVar (database versions not stated): gnomAD exomes 0.00008 and 0.00035; ESP Exome Variant Server 0.00015; ExAC 0.00026; gnomAD 0.00031; TOPMed 0.00041; 1000 Genomes Project 30x 0.00062; 1000 Genomes Project 0.00080.
gnomAD v4.1: 344 of 1,614,204 alleles (0.021%); highest among the groups gnomAD compares: East Asian, 0.24%; 8 homozygotes.

Submissions (8):

PreventionGenetics, part of Exact Sciences
Classification: Uncertain significance for MERTK-related condition. Last evaluated: 2026-04-09. Review status: criteria provided, single submitter. Criteria: ACMG Guidelines, 2015. Collection method: clinical testing. Allele origin: germline.
Comment: The MERTK c.986A>G variant is predicted to result in the amino acid substitution p.Asn329Ser. This variant has been reported in the apparently homozygous state in an individual with rod-cone dystrophy (Audo et al. 2018. PubMed ID: 29659094). However, this variant is present in 0.35% of alleles in individuals of East Asian descent with 1 homozygote in the other subpopulations in version 2 of gnomAD. In gnomAD v4 (available only on GRCh38), this variant is present in 0.24% of alleles in individuals of East Asian descent, with a total of eight homozygotes across all subpopulations, which may be too common to be a primary cause of disease. Although we suspect that this variant may be benign, at this time, the clinical significance of this variant is uncertain due to the absence of conclusive functional and genetic evidence.

Labcorp Genetics (formerly Invitae), Labcorp
Classification: Likely benign. Last evaluated: 2025-12-21. Review status: criteria provided, single submitter. Criteria: Invitae Variant Classification Sherloc (09022015). Collection method: clinical testing. Allele origin: germline.

CeGaT Center for Human Genetics Tuebingen
Classification: Likely benign. Last evaluated: 2025-05-01. Review status: criteria provided, single submitter. Criteria: CeGaT Center For Human Genetics Tuebingen Variant Classification Criteria Version 2. Collection method: clinical testing. Allele origin: germline. Affected: yes. Observed: 1 variant allele.
Comment: MERTK: BP4

Revvity Omics, Revvity
Classification: Uncertain significance for Retinitis pigmentosa 38. Last evaluated: 2025-03-25. Review status: criteria provided, single submitter. Criteria: ACMG Guidelines, 2015. Collection method: clinical testing. Allele origin: germline.

Blueprint Genetics
Classification: Likely benign. Last evaluated: 2024-11-07. Review status: criteria provided, single submitter. Criteria: ACMG Guidelines, 2015. Collection method: clinical testing. Allele origin: germline.

Department of Pathology and Laboratory Medicine, Sinai Health System
Classification: Uncertain significance for Retinitis pigmentosa 38. Last evaluated: 2023-12-15. Review status: criteria provided, single submitter. Criteria: ACMG Guidelines, 2015. Collection method: research. Allele origin: germline.

Dept Of Ophthalmology, Nagoya University
Classification: Likely benign for Retinal dystrophy. Last evaluated: 2023-10-01. Review status: criteria provided, single submitter. Criteria: Submitter's publication. Collection method: research. Allele origin: germline. Affected: yes.

Illumina Laboratory Services, Illumina
Classification: Uncertain significance for Retinitis pigmentosa. Last evaluated: 2017-04-27. Review status: criteria provided, single submitter. Criteria: ICSL Variant Classification Criteria 13 December 2019. Collection method: clinical testing. Allele origin: germline.